The following is an entry in ClinVar:

NM_152703.5(SAMD9L):c.3014A>T (p.His1005Leu)

Gene: SAMD9L (sterile alpha motif domain containing 9 like; minus strand). Cytogenetic location: 7q21.2.
Variant type: single nucleotide variant.
Coding change: c.3014A>T on transcript NM_152703.5 (MANE Select); coding-DNA position 3014, A replaced by T.
Protein change: p.His1005Leu; replaces histidine 1005 with leucine.
Molecular consequence: missense variant.
Genome position (GRCh38, 1-based): chr7:93,132,958, T>A on the plus strand (A>T on the coding strand, the complement: SAMD9L is on the minus strand). VCF-style: chr7-93132958-T-A. GRCh37 (hg19) VCF-style: chr7-92762271-T-A.
Other names: c.3014A>T, p.His1005Leu (NM_001303496.3, NM_001303497.3, NM_001303498.3 and 5 more transcripts); c.3014A>T (NM_152703.2); short protein forms H1005L.
Identifiers: ClinVar variation 3003342 (VCV003003342.4), dbSNP rs779189130, ClinGen allele CA4343522.
Genomic context (GRCh38, chr7:93,132,958, plus strand): 5'-CCAGAATCATAGAATAAATTCTCTTCTAATATATTCAATGCAATTTGACATTTATCCAAG[T>A]GATAGCTTCTTTCCAGTTCTTTTAGACAGTACAGGGCAATCAGAGGGTGAATGATACGCA-3'
Protein context (NP_689916.2, residues 995-1015): YCLKELERSY[His1005Leu]LDKCQIALNI

ClinVar aggregate classification (germline): Uncertain significance. Review status: criteria provided, multiple submitters, no conflicts (2 of 4 stars). 2 submissions from 2 submitters: Uncertain significance (2). Last evaluated 2025-09-15.

Conditions:
Inborn genetic diseases. Identifiers: MedGen C0950123, MeSH D030342.

Allele frequency attached by ClinVar (database versions not stated): gnomAD 0.00001; TOPMed below 0.00001.
gnomAD v4.1: 17 of 1,613,446 alleles (0.0011%); highest among the groups gnomAD compares: Non-Finnish European, 0.0014%; no homozygotes.

Submissions (2):

Labcorp Genetics (formerly Invitae), Labcorp
Classification: Uncertain significance. Last evaluated: 2025-09-15. Review status: criteria provided, single submitter. Criteria: Invitae Variant Classification Sherloc (09022015). Collection method: clinical testing. Allele origin: germline.
Comment: This sequence change replaces histidine, which is basic and polar, with leucine, which is neutral and non-polar, at codon 1005 of the SAMD9L protein (p.His1005Leu). This variant is present in population databases (rs779189130, gnomAD 0.003%). This variant has not been reported in the literature in individuals affected with SAMD9L-related conditions. ClinVar contains an entry for this variant (Variation ID: 3003342). Invitae Evidence Modeling of protein sequence and biophysical properties (such as structural, functional, and spatial information, amino acid conservation, physicochemical variation, residue mobility, and thermodynamic stability) indicates that this missense variant is not expected to disrupt SAMD9L protein function with a negative predictive value of 80%. In summary, the available evidence is currently insufficient to determine the role of this variant in disease. Therefore, it has been classified as a Variant of Uncertain Significance.

Ambry Genetics
Classification: Uncertain significance for Inborn genetic diseases. Last evaluated: 2024-12-08. Review status: criteria provided, single submitter. Criteria: Ambry Variant Classification Scheme 2023. Collection method: clinical testing. Allele origin: germline.
Comment: The p.H1005L variant (also known as c.3014A>T), located in coding exon 1 of the SAMD9L gene, results from an A to T substitution at nucleotide position 3014. The histidine at codon 1005 is replaced by leucine, an amino acid with similar properties. This amino acid position is conserved. In addition, this alteration is predicted to be tolerated by in silico analysis. Based on the available evidence, the clinical significance of this variant remains unclear.